The following is an entry in ClinVar:

ClinVar aggregate classification (germline): Benign. Review status: criteria provided, single submitter (1 of 4 stars). 2 submissions from 2 submitters: Benign (1). 1 of the submissions does not count toward it. Last evaluated 2025-10-08.

Conditions:
IFT57-related disorder. Also called: IFT57-related condition.

Allele frequency attached by ClinVar (database versions not stated): gnomAD 0.00001 and 0.00019; TOPMed 0.00003; gnomAD exomes 0.00026 and 0.00055; 1000 Genomes Project 0.00040; 1000 Genomes Project 30x 0.00062; ExAC 0.00067.
gnomAD v4.1: 411 of 1,610,992 alleles (0.026%); highest among the groups gnomAD compares: South Asian, 0.42%; 5 homozygotes.

Submissions (2):

Labcorp Genetics (formerly Invitae), Labcorp
Classification: Benign. Last evaluated: 2025-10-08. Review status: criteria provided, single submitter. Criteria: Invitae Variant Classification Sherloc (09022015). Collection method: clinical testing. Allele origin: germline.

PreventionGenetics, part of Exact Sciences
Classification: Likely benign for IFT57-related condition. Last evaluated: 2019-02-21. Review status: no assertion criteria provided. Collection method: clinical testing. Allele origin: germline. Not counted in ClinVar's aggregate classification.
Comment: This variant is classified as likely benign based on ACMG/AMP sequence variant interpretation guidelines (Richards et al. 2015 PMID: 25741868, with internal and published modifications).

NM_018010.4(IFT57):c.1044+7A>G

Gene: IFT57 (intraflagellar transport 57; minus strand). Cytogenetic location: 3q13.12.
Variant type: single nucleotide variant.
Coding change: c.1044+7A>G on transcript NM_018010.4 (MANE Select); 7 bases into the intron after coding-DNA position 1044, A replaced by G.
Molecular consequence: intron variant.
Genome position (GRCh38, 1-based): chr3:108,165,424, T>C on the plus strand (A>G on the coding strand, the complement: IFT57 is on the minus strand). VCF-style: chr3-108165424-T-C. GRCh37 (hg19) VCF-style: chr3-107884271-T-C.
Other names: c.1044+7A>G (NM_018010.3).
Identifiers: ClinVar variation 1672902 (VCV001672902.10), dbSNP rs550419105, ClinGen allele CA2526494.